The following is an entry in ClinVar:

ClinVar aggregate classification (germline): Uncertain significance (1 of 4 stars; one submission).

Allele frequency attached by ClinVar (database versions not stated): gnomAD exomes below 0.00001.
gnomAD v4.1: 1 of 1,612,422 alleles (0.000062%); highest among the groups gnomAD compares: Non-Finnish European, 0.000085%; no homozygotes.

Submission:

Labcorp Genetics (formerly Invitae), Labcorp
Classification: Uncertain significance. Last evaluated: 2023-07-31. Review status: criteria provided, single submitter. Criteria: Invitae Variant Classification Sherloc (09022015). Collection method: clinical testing. Allele origin: germline.
Comment: In summary, the available evidence is currently insufficient to determine the role of this variant in disease. Therefore, it has been classified as a Variant of Uncertain Significance. Advanced modeling of protein sequence and biophysical properties (such as structural, functional, and spatial information, amino acid conservation, physicochemical variation, residue mobility, and thermodynamic stability) performed at Invitae indicates that this missense variant is not expected to disrupt PPP2CA protein function. This variant has not been reported in the literature in individuals affected with PPP2CA-related conditions. This variant is not present in population databases (gnomAD no frequency). This sequence change replaces alanine, which is neutral and non-polar, with valine, which is neutral and non-polar, at codon 182 of the PPP2CA protein (p.Ala182Val).

NM_002715.4(PPP2CA):c.545C>T (p.Ala182Val)

Gene: PPP2CA (protein phosphatase 2 catalytic subunit alpha; minus strand). Cytogenetic location: 5q31.1.
Variant type: single nucleotide variant.
Coding change: c.545C>T on transcript NM_002715.4 (MANE Select); coding-DNA position 545, C replaced by T.
Protein change: p.Ala182Val; replaces alanine 182 with valine.
Molecular consequence: missense variant. On other transcripts: non-coding transcript variant (1).
Genome position (GRCh38, 1-based): chr5:134,201,016, G>A on the plus strand (C>T on the coding strand, the complement: PPP2CA is on the minus strand). VCF-style: chr5-134201016-G-A. GRCh37 (hg19) VCF-style: chr5-133536707-G-A.
Other names: c.350C>T, p.Ala117Val (NM_001355019.2); short protein forms A117V, A182V.
Identifiers: ClinVar variation 2748609 (VCV002748609.3), dbSNP rs2481049614, ClinGen allele CA360992696.